The following is an entry in ClinVar:

NM_025000.4(DCAF17):c.371T>G (p.Leu124Arg)

Gene: DCAF17 (DDB1 and CUL4 associated factor 17; plus strand). Cytogenetic location: 2q31.1.
Variant type: single nucleotide variant.
Coding change: c.371T>G on transcript NM_025000.4 (MANE Select); coding-DNA position 371, T replaced by G.
Protein change: p.Leu124Arg; replaces leucine 124 with arginine.
Molecular consequence: missense variant. On other transcripts: non-coding transcript variant (1).
Genome position (GRCh38, 1-based): chr2:171,448,730, T>G. VCF-style: chr2-171448730-T-G. GRCh37 (hg19) VCF-style: chr2-172305240-T-G.
Other names: c.371T>G, p.Leu124Arg (NM_001164821.2); short protein forms L124R.
Identifiers: ClinVar variation 1359311 (VCV001359311.8), dbSNP rs2105750705, ClinGen allele CA349276658.

ClinVar aggregate classification (germline): Uncertain significance (1 of 4 stars; one submission).

Conditions:
Woodhouse-Sakati syndrome. Also called: Hypogonadism, Alopecia, Diabetes Mellitus, Mental Retardation, and Extrapyramidal Syndrome; EXTRAPYRAMIDAL DISORDER, PROGRESSIVE, WITH PRIMARY HYPOGONADISM, MENTAL RETARDATION, AND ALOPECIA; Hypogonadism, diabetes mellitus, alopecia, mental retardation and electrocardiographic abnormalities. Identifiers: Orphanet 3464, MedGen C0342286, MONDO:0009419, OMIM 241080.

Submission:

Labcorp Genetics (formerly Invitae), Labcorp
Classification: Uncertain significance for Woodhouse-Sakati syndrome. Last evaluated: 2021-12-02. Review status: criteria provided, single submitter. Criteria: Invitae Variant Classification Sherloc (09022015). Collection method: clinical testing. Allele origin: germline.
Comment: This variant is not present in population databases (gnomAD no frequency). This sequence change replaces leucine, which is neutral and non-polar, with arginine, which is basic and polar, at codon 124 of the DCAF17 protein (p.Leu124Arg). In summary, the available evidence is currently insufficient to determine the role of this variant in disease. Therefore, it has been classified as a Variant of Uncertain Significance. Algorithms developed to predict the effect of missense changes on protein structure and function (SIFT, PolyPhen-2, Align-GVGD) all suggest that this variant is likely to be disruptive. This variant has not been reported in the literature in individuals affected with DCAF17-related conditions.